The following is an entry in ClinVar:

ClinVar aggregate classification (germline): Conflicting classifications of pathogenicity. Review status: criteria provided, conflicting classifications (1 of 4 stars). 3 submissions from 3 submitters: Uncertain significance (1); Likely benign (2). Last evaluated 2024-08-05.

Conditions:
Maturity-onset diabetes of the young (MODY). Also called: Maturity onset diabetes mellitus in young. Identifiers: Orphanet 552, MedGen C0342276, MONDO:0018911, HP:0004904.

Allele frequency attached by ClinVar (database versions not stated): TOPMed 0.00006; ESP Exome Variant Server 0.00008.
gnomAD v4.1: 8 of 1,607,268 alleles (0.0005%); highest among the groups gnomAD compares: African/African-American, 0.008%; no homozygotes.

Submissions (3):

Labcorp Genetics (formerly Invitae), Labcorp
Classification: Likely benign. Last evaluated: 2024-08-05. Review status: criteria provided, single submitter. Criteria: Invitae Variant Classification Sherloc (09022015). Collection method: clinical testing. Allele origin: germline.

Eurofins Ntd Llc (ga)
Classification: Uncertain significance. Last evaluated: 2016-03-04. Review status: criteria provided, single submitter. Criteria: EGL Classification Definitions 2015. Collection method: clinical testing. Allele origin: germline. Observed: 1 variant allele, 1 heterozygote.

Clinical Genomics, Uppaluri K&H Personalized Medicine Clinic
Classification: Likely benign for Maturity-onset diabetes of the young. Review status: criteria provided, single submitter. Criteria: K & H Uppaluri Personalized Medicine Clinic Variant Classification & Assertion Criteria_Updated V.1. Collection method: research. Allele origin: unknown. Inheritance: Autosomal dominant inheritance.
Comment: HNF1B gene mutations are associated with early onset diabetes and pancreatic atrophy. It is also associated with multiple renal manifestations including renal cysts, Tubulointerstitial disease, glomerulocystic disease, renal hypoplasia, hypomagnesemia. However no sufficient evidence is found to ascertain the role of this particular variant rs369134247, yet.

Literature cited by the submitters: PubMed 24897035 (cited by Clinical Genomics, Uppaluri K&H Personalized Medicine Clinic); PubMed 25536396 (cited by Clinical Genomics, Uppaluri K&H Personalized Medicine Clinic); PubMed 27615128 (cited by Clinical Genomics, Uppaluri K&H Personalized Medicine Clinic); PubMed 28215227 (cited by Clinical Genomics, Uppaluri K&H Personalized Medicine Clinic); PubMed 33434175 (cited by Clinical Genomics, Uppaluri K&H Personalized Medicine Clinic); PubMed 25741167 (cited by Clinical Genomics, Uppaluri K&H Personalized Medicine Clinic); PubMed 26340261 (cited by Clinical Genomics, Uppaluri K&H Personalized Medicine Clinic); PubMed 19639018 (cited by Clinical Genomics, Uppaluri K&H Personalized Medicine Clinic).

NM_000458.4(HNF1B):c.300C>T (p.Thr100=)

Gene: HNF1B (HNF1 homeobox B; minus strand). Cytogenetic location: 17q12.
Variant type: single nucleotide variant.
Coding change: c.300C>T on transcript NM_000458.4 (MANE Select); coding-DNA position 300, C replaced by T.
Protein change: p.Thr100=; no amino-acid change (threonine 100 retained).
Molecular consequence: synonymous variant.
Genome position (GRCh38, 1-based): chr17:37,744,585, G>A on the plus strand (C>T on the coding strand, the complement: HNF1B is on the minus strand). VCF-style: chr17-37744585-G-A. GRCh37 (hg19) VCF-style: chr17-36104576-G-A.
Other names: c.300C>T, p.Thr100= (NM_001165923.4, NM_001304286.2).
Identifiers: ClinVar variation 286429 (VCV000286429.8), dbSNP rs369134247, ClinGen allele CA8519120.